The following is an entry in ClinVar:

ClinVar aggregate classification (germline): Pathogenic/Likely pathogenic. Review status: criteria provided, multiple submitters, no conflicts (2 of 4 stars). 21 submissions from 20 submitters: Pathogenic (7); Likely pathogenic (6). 8 of the submissions do not count toward it. Last evaluated 2026-01-12.

Conditions:
ABCA4-related disorder. Also called: ABCA4-related condition; ABCA4-related disorders. Identifiers: MedGen CN239167.
Retinal dystrophy. Also called: Inherited retinal dystrophy. Identifiers: Orphanet 71862, MedGen C0854723, MeSH D058499, MONDO:0019118, HP:0000556.
Severe early-childhood-onset retinal dystrophy (STGD1). Also called: MACULAR DYSTROPHY WITH FLECKS, TYPE 1; STGD; Stargardt macular dystrophy; Juvenile onset macular degeneration; Stargardt disease 1. Identifiers: Orphanet 364055, Orphanet 827, MedGen C1855465, MeSH D000080362, MONDO:0009549, OMIM 248200.
Cone-rod dystrophy 3 (CORD3). Identifiers: Orphanet 1872, MedGen C1858806, MONDO:0011395, OMIM 604116.
Age related macular degeneration 2. Also called: MACULAR DEGENERATION, SENILE; MACULOPATHY, AGE-RELATED, 2; MACULOPATHY, AGE-RELATED. Identifiers: MedGen C3495438, MONDO:0007932, OMIM 153800.
Retinitis pigmentosa 19 (RP19). Also called: ABCA4-Related Retinitis Pigmentosa. Identifiers: Orphanet 791, MedGen C1866422, MONDO:0011137, OMIM 601718.
Retinitis pigmentosa (RP). Identifiers: Orphanet 791, MedGen C0035334, MeSH D012174, MONDO:0019200, OMIM 268000. Inheritance: Autosomal dominant, autosomal recessive and X linked inheritance.
Autosomal recessive retinitis pigmentosa. Identifiers: MedGen C0339526.
Stargardt disease (FFM). Also called: Fundus flavimaculatus; Stargardt's disease. Identifiers: Orphanet 827, MedGen C0271093, MONDO:0019353.
Cone-rod dystrophy. Also called: Cone/cone-rod dystrophy; Cone-rod degeneration. Identifiers: Orphanet 1872, MedGen C4085590, MONDO:0015993, HP:0000548.

Allele frequency attached by ClinVar (database versions not stated): ESP Exome Variant Server 0.00008; gnomAD 0.00001 and 0.00003; gnomAD exomes 0.00002; TOPMed 0.00002; ExAC 0.00003.

Submissions 1 to 13 of 21:

Labcorp Genetics (formerly Invitae), Labcorp
Classification: Pathogenic. Last evaluated: 2026-01-12. Review status: criteria provided, single submitter. Criteria: Invitae Variant Classification Sherloc (09022015). Collection method: clinical testing. Allele origin: germline.
Comment: This sequence change replaces alanine, which is neutral and non-polar, with aspartic acid, which is acidic and polar, at codon 1598 of the ABCA4 protein (p.Ala1598Asp). This variant is present in population databases (rs61750155, gnomAD 0.009%). This missense change has been observed in individual(s) with retinal disease (PMID: 10958761, 19074458, 23105016, 28559085). In at least one individual the data is consistent with being in trans (on the opposite chromosome) from a pathogenic variant. ClinVar contains an entry for this variant (Variation ID: 99321). Invitae Evidence Modeling of protein sequence and biophysical properties (such as structural, functional, and spatial information, amino acid conservation, physicochemical variation, residue mobility, and thermodynamic stability) indicates that this missense variant is expected to disrupt ABCA4 protein function with a positive predictive value of 95%. This variant disrupts the p.Ala1598 amino acid residue in ABCA4. Other variant(s) that disrupt this residue have been observed in individuals with ABCA4-related conditions (PMID: 26161775), which suggests that this may be a clinically significant amino acid residue. For these reasons, this variant has been classified as Pathogenic.

CeGaT Center for Human Genetics Tuebingen
Classification: Likely pathogenic. Last evaluated: 2025-01-01. Review status: criteria provided, single submitter. Criteria: CeGaT Center For Human Genetics Tuebingen Variant Classification Criteria Version 2. Collection method: clinical testing. Allele origin: germline. Affected: yes. Observed: 2 variant alleles.
Comment: ABCA4: PM3:Strong, PM2, PS3:Supporting

Genomic Medicine Center of Excellence, King Faisal Specialist Hospital and Research Centre
Classification: Likely pathogenic for Severe early-childhood-onset retinal dystrophy. Last evaluated: 2024-12-18. Review status: criteria provided, single submitter. Criteria: ACMG Guidelines, 2015. Collection method: clinical testing. Allele origin: germline.

Dubai Health Genomic Medicine Center, Dubai Health
Classification: Likely pathogenic for Retinal dystrophy. Last evaluated: 2024-10-04. Review status: criteria provided, single submitter. Criteria: ACMG Guidelines, 2015. Collection method: research. Allele origin: germline. Affected: yes.
Comment: PM3(strong),PP3,PM2,PM5

Lab De Baere, Eye and Developmental Genetics Lab, Ghent University
Classification: Likely pathogenic for Cone-rod dystrophy. Last evaluated: 2024-10-01. Review status: criteria provided, single submitter. Criteria: ACMG Guidelines, 2015. Collection method: research. Allele origin: inherited. Affected: yes. Observed: 1 variant allele.
Comment: ACMG/AMP guidelines: PM2, PP5, PM5, PP1, PM3_1

Blueprint Genetics
Classification: Pathogenic for ABCA4-related disorders. Last evaluated: 2024-09-06. Review status: criteria provided, single submitter. Criteria: ACMG Guidelines, 2015. Collection method: clinical testing. Allele origin: germline. Affected: yes. Observed: 5 variant alleles.

Fulgent Genetics
Classification: Pathogenic for Age related macular degeneration 2; Severe early-childhood-onset retinal dystrophy; Retinitis pigmentosa 19; Cone-rod dystrophy 3. Last evaluated: 2024-06-03. Review status: criteria provided, single submitter. Criteria: ACMG Guidelines, 2015. Collection method: clinical testing. Allele origin: germline.

Women's Health and Genetics/Laboratory Corporation of America, LabCorp
Classification: Pathogenic for Retinitis pigmentosa. Last evaluated: 2023-09-05. Review status: criteria provided, single submitter. Criteria: LabCorp Variant Classification Summary - May 2015. Collection method: clinical testing. Allele origin: germline.
Comment: Variant summary: ABCA4 c.4793C>A (p.Ala1598Asp) results in a non-conservative amino acid change in the encoded protein sequence. Three of five in-silico tools predict a damaging effect of the variant on protein function. The variant allele was found at a frequency of 2.4e-05 in 250090 control chromosomes (gnomAD). c.4793C>A has been reported in the literature in multiple individuals affected with autosomal recessive Stargardt disease (examples: Passerini_2010 and Mejecase_2020). These data indicate that the variant is very likely to be associated with disease. The following publications have been ascertained in the context of this evaluation (PMID: 32783370, 19265867). Eight submitters have cited clinical-significance assessments for this variant to ClinVar after 2014. All submitters classified the variant as pathogenic/likely pathogenic. Based on the evidence outlined above, the variant was classified as pathogenic.

GeneDx
Classification: Pathogenic. Last evaluated: 2022-03-10. Review status: criteria provided, single submitter. Criteria: GeneDx Variant Classification Process June 2021. Collection method: clinical testing. Allele origin: germline. Affected: yes.
Comment: Published functional studies demonstrate A1598D results in reduced basal activity, supporting a damaging effect (Curtis et al., 2020); This variant is associated with the following publications: (PMID: 27014590, 23105016, 20696155, 10958761, 22025579, 28118664, 29178665, 28365912, 19074458, 25525159, 26103963, 29925512, 28559085, 32845050, 31589614, 32619608, 34426522, 32783370)

3billion
Classification: Pathogenic for Retinitis pigmentosa 19. Last evaluated: 2022-01-03. Review status: criteria provided, single submitter. Criteria: ACMG Guidelines, 2015. Collection method: clinical testing. Allele origin: germline. Affected: yes. Observed: 1 homozygote.
Comment: Same nucleotide change resulting in same amino acid change has been previously reported as pathogenic/likely pathogenic with strong evidence (ClinVar ID: VCV000099321, PMID:10958761, PS1_S). The variant has been reported to be in trans with a pathogenic variant as either compound heterozygous or homozygous in at least 2 similarly affected unrelated individuals (PM3_S). A different missense change at the same codon has been reported to be associated with ABCA4 related disorder (PMID:26161775, PM5_P). In silico tool predictions suggest damaging effect of the variant on gene or gene product (REVEL: 0.685, 3CNET: 0.955, PP3_P). A missense variant is a common mechanism associated with Retinitis pigmentosa 19 (PP2_P). It is observed at an extremely low frequency in the gnomAD v2.1.1 dataset (total allele frequency: 0.000024, PM2_M). Therefore, this variant is classified as pathogenic according to the recommendation of ACMG/AMP guideline.

Revvity Omics, Revvity
Classification: Pathogenic. Last evaluated: 2021-11-08. Review status: criteria provided, single submitter. Criteria: ACMG Guidelines, 2015. Collection method: clinical testing. Allele origin: germline.

Institute of Human Genetics, Univ. Regensburg, Univ. Regensburg
Classification: Likely pathogenic for Retinal dystrophy. Last evaluated: 2020-01-01. Review status: criteria provided, single submitter. Criteria: ACMG Guidelines, 2015. Collection method: clinical testing. Allele origin: germline. Affected: yes.

Institute of Human Genetics, Univ. Regensburg, Univ. Regensburg
Classification: Likely pathogenic for Severe early-childhood-onset retinal dystrophy. Last evaluated: 2016-01-01. Review status: criteria provided, single submitter. Criteria: Schulz et al. (Invest Ophthalmol Vis Sci. 2017). Collection method: clinical testing. Allele origin: germline. Affected: yes. Observed: 1 heterozygote, 1 homozygote.

NM_000350.3(ABCA4):c.4793C>A (p.Ala1598Asp)

Genes: ABCA4 (ATP binding cassette subfamily A member 4; minus strand), LOC126805793 (CDK7 strongly-dependent group 2 enhancer GRCh37_chr1:94486302-94487501; plus strand). Cytogenetic location: 1p22.1.
Variant type: single nucleotide variant.
Coding change: c.4793C>A on transcript NM_000350.3 (MANE Select); coding-DNA position 4793, C replaced by A.
Protein change: p.Ala1598Asp; replaces alanine 1598 with aspartic acid.
Molecular consequence: missense variant.
Genome position (GRCh38, 1-based): chr1:94,021,695, G>T on the plus strand (C>A on the coding strand, the complement: ABCA4 is on the minus strand). VCF-style: chr1-94021695-G-T. GRCh37 (hg19) VCF-style: chr1-94487251-G-T.
Other names: c.4571C>A, p.Ala1524Asp (NM_001425324.1); short protein forms A1598D, A1524D.
Identifiers: ClinVar variation 99321 (VCV000099321.60), dbSNP rs61750155, ClinGen allele CA227239.
Genomic context (GRCh38, chr1:94,021,695, plus strand): 5'-AGTACCTTAATGTTGTCTTCAGTTTCTAGATGTTTAAGGAAATCAGGTATTTCTTTAGAG[G>T]CCTCTCTAGTGATAGGGCCCTAAAAACCATGTAAACAAACAAACAAGACGGTTTTAATTT-3'
Protein context (NP_000341.2, residues 1588-1608): NVSGGPITRE[Ala1598Asp]SKEIPDFLKH